The following is an entry in ClinVar:

ClinVar aggregate classification (germline): Uncertain significance. Review status: criteria provided, multiple submitters, no conflicts (2 of 4 stars). 4 submissions from 4 submitters: Uncertain significance (4). Last evaluated 2025-05-27.

Conditions:
Drash syndrome (DDS). Also called: NEPHROPATHY, WILMS TUMOR, AND GENITAL ANOMALIES; WILMS TUMOR AND PSEUDO- OR TRUE HERMAPHRODITISM. Identifiers: Orphanet 220, MedGen C0950121, MONDO:0008682, OMIM 194080.
Frasier syndrome. Identifiers: Orphanet 347, MedGen C0950122, MeSH D052159, MONDO:0007635, OMIM 136680.
Wilms tumor 1 (WT1). Also called: Wilms tumor, somatic. Identifiers: Orphanet 654, MedGen CN033288, MONDO:0008679, OMIM 194070.
11p partial monosomy syndrome (WAGR). Also called: WAGR Complex; WAGR Spectrum Disorder; CHROMOSOME 11p13 DELETION SYNDROME; WAGR syndrome. Identifiers: Orphanet 893, MedGen C0206115, MONDO:0008681, OMIM 194072.
Inborn genetic diseases. Identifiers: MedGen C0950123, MeSH D030342.

Allele frequency attached by ClinVar (database versions not stated): gnomAD exomes below 0.00001.

Submissions (4):

Ambry Genetics
Classification: Uncertain significance for Inborn genetic diseases. Last evaluated: 2025-05-27. Review status: criteria provided, single submitter. Criteria: Ambry Variant Classification Scheme 2023. Collection method: clinical testing. Allele origin: germline.
Comment: The p.P126S variant (also known as c.376C>T), located in coding exon 1 of the WT1 gene, results from a C to T substitution at nucleotide position 376. The proline at codon 126 is replaced by serine, an amino acid with similar properties. This amino acid position is highly conserved in available vertebrate species. In addition, this alteration is predicted to be tolerated by in silico analysis. Based on the available evidence, the clinical significance of this variant remains unclear.

All of Us Research Program, National Institutes of Health
Classification: Uncertain significance for Wilms tumor 1. Last evaluated: 2023-03-28. Review status: criteria provided, single submitter. Criteria: ACMG Guidelines, 2015. Collection method: clinical testing. Allele origin: germline. Inheritance: Autosomal dominant inheritance. Observed: 1 variant allele, 1 heterozygote.
Comment: This study involves interpretation of variants in research participants for the purpose of population health screening. Participant phenotype was not available at the time of variant classification. Additional details can be found in publication PMID: 35346344, PMCID: PMC8962531

Labcorp Genetics (formerly Invitae), Labcorp
Classification: Uncertain significance for Wilms tumor 1; Drash syndrome; 11p partial monosomy syndrome; Frasier syndrome. Last evaluated: 2021-09-26. Review status: criteria provided, single submitter. Criteria: Invitae Variant Classification Sherloc (09022015). Collection method: clinical testing. Allele origin: germline.
Comment: In summary, the available evidence is currently insufficient to determine the role of this variant in disease. Therefore, it has been classified as a Variant of Uncertain Significance. Algorithms developed to predict the effect of missense changes on protein structure and function are either unavailable or do not agree on the potential impact of this missense change (SIFT: "Tolerated"; PolyPhen-2: "Probably Damaging"; Align-GVGD: "Class C0"). ClinVar contains an entry for this variant (Variation ID: 584764). This missense change has been observed in individual(s) with premature ovarian failure (PMID: 26358501). The frequency data for this variant in the population databases is considered unreliable, as metrics indicate insufficient coverage at this position in the ExAC database. This sequence change replaces proline with serine at codon 126 of the WT1 protein (p.Pro126Ser). The proline residue is moderately conserved and there is a moderate physicochemical difference between proline and serine.

Mendelics
Classification: Uncertain significance for Drash syndrome. Last evaluated: 2019-05-28. Review status: criteria provided, single submitter. Criteria: Mendelics Assertion Criteria 2017. Collection method: clinical testing. Allele origin: unknown.

Literature cited by the submitters: PubMed 26358501 (cited by Labcorp Genetics (formerly Invitae), Labcorp).

NM_024426.6(WT1):c.391C>T (p.Pro131Ser)

Genes: WT1 (WT1 transcription factor; minus strand), LOC107982234 (WT1/WT1-AS bi-directional promoter region; plus strand). Cytogenetic location: 11p13.
Variant type: single nucleotide variant.
Coding change: c.391C>T on transcript NM_024426.6 (MANE Select); coding-DNA position 391, C replaced by T.
Protein change: p.Pro131Ser; replaces proline 131 with serine.
Molecular consequence: missense variant. On other transcripts: non-coding transcript variant (1).
Genome position (GRCh38, 1-based): chr11:32,434,970, G>A on the plus strand (C>T on the coding strand, the complement: WT1 is on the minus strand). VCF-style: chr11-32434970-G-A. GRCh37 (hg19) VCF-style: chr11-32456516-G-A.
Other names: c.391C>T, p.Pro131Ser (NM_000378.6, NM_024424.5); c.376C>T (NM_024426.4); short protein forms P131S.
Identifiers: ClinVar variation 584764 (VCV000584764.9), dbSNP rs564706633, ClinGen allele CA219511084.